The following is an entry in ClinVar:

NM_001164277.2(SLC37A4):c.1063_1064delinsAG (p.Glu355Arg)

Gene: SLC37A4 (solute carrier family 37 member 4; minus strand). Cytogenetic location: 11q23.3.
Variant type: Indel.
Coding change: c.1063_1064delinsAG on transcript NM_001164277.2 (MANE Select); coding-DNA positions 1063 to 1064, GA replaced by AG.
Protein change: p.Glu355Arg; replaces glutamic acid 355 with arginine.
Molecular consequence: missense variant.
Genome position (GRCh38, 1-based): chr11:119,025,250-119,025,251, TC replaced by CT on the plus strand (GA replaced by AG on the coding strand, the reverse complement: SLC37A4 is on the minus strand). VCF-style: chr11-119025250-TC-CT. GRCh37 (hg19) VCF-style: chr11-118895960-TC-CT.
Other names: c.1129_1130delinsAG, p.Glu377Arg (NM_001164278.2); c.844_845delinsAG, p.Glu282Arg (NM_001164279.2); c.1063_1064delinsAG, p.Glu355Arg (NM_001164280.2, NM_001467.6); short protein forms E282R, E355R, E377R.
Identifiers: ClinVar variation 2717939 (VCV002717939.3), dbSNP rs2497011761, ClinGen allele CA2697552051.
Genomic context (GRCh38, chr11:119,025,250, plus strand): 5'-CCATTGGCCATGAGTCCCACAATGGCGTGGGAGGTGCCACACAAGTTGGGAGGGGCACTC[TC>CT]GTTGGCTATGACTCCAAACAGGGCAATGGGGCCATACGAGGAGAAACCAAATACAGCTCC-3'
Protein context (NP_001157749.1, residues 345-365): PIALFGVIAN[Glu355Arg]SAPPNLCGTS

ClinVar aggregate classification (germline): Uncertain significance (1 of 4 stars; one submission).

Conditions:
Glucose-6-phosphate transport defect (GSD1B). Also called: Glycogen Storage Disease Type Ib; GSD Ib. Identifiers: Orphanet 364, Orphanet 79259, MedGen C0268146, MONDO:0009288, OMIM 232220.

Submission:

Labcorp Genetics (formerly Invitae), Labcorp
Classification: Uncertain significance for Glucose-6-phosphate transport defect. Last evaluated: 2023-06-16. Review status: criteria provided, single submitter. Criteria: Invitae Variant Classification Sherloc (09022015). Collection method: clinical testing. Allele origin: germline.
Comment: This sequence change replaces glutamic acid, which is acidic and polar, with arginine, which is basic and polar, at codon 355 of the SLC37A4 protein (p.Glu355Arg). This variant is present in population databases (no rsID available, gnomAD 0.0004%). This variant has not been reported in the literature in individuals affected with SLC37A4-related conditions. Experimental studies and prediction algorithms are not available or were not evaluated, and the functional significance of this variant is currently unknown. In summary, the available evidence is currently insufficient to determine the role of this variant in disease. Therefore, it has been classified as a Variant of Uncertain Significance.